The following is an entry in ClinVar:

ClinVar aggregate classification (germline): Uncertain significance (1 of 4 stars; one submission).

Conditions:
Pallister-Hall syndrome (PHS). Also called: HYPOTHALAMIC HAMARTOBLASTOMA, HYPOPITUITARISM, IMPERFORATE ANUS, AND POSTAXIAL POLYDACTYLY; GLI3-Related Pallister-Hall Syndrome. Identifiers: Orphanet 672, MedGen C0265220, MONDO:0007804, OMIM 146510.
Greig cephalopolysyndactyly syndrome (GCPS). Also called: GLI3-Related Greig Cephalopolysyndactyly Syndrome; POLYSYNDACTYLY WITH PECULIAR SKULL SHAPE; Greig syndrome. Identifiers: Orphanet 380, MedGen C0265306, MONDO:0008287, OMIM 175700.

gnomAD v4.1: 1 of 1,613,714 alleles (0.000062%); highest among the groups gnomAD compares: African/African-American, 0.0013%; no homozygotes.

Submission:

Labcorp Genetics (formerly Invitae), Labcorp
Classification: Uncertain significance for Pallister-Hall syndrome; Greig cephalopolysyndactyly syndrome. Last evaluated: 2025-06-12. Review status: criteria provided, single submitter. Criteria: Invitae Variant Classification Sherloc (09022015). Collection method: clinical testing. Allele origin: germline.
Comment: This sequence change replaces isoleucine, which is neutral and non-polar, with phenylalanine, which is neutral and non-polar, at codon 1356 of the GLI3 protein (p.Ile1356Phe). This variant is not present in population databases (gnomAD no frequency). This variant has not been reported in the literature in individuals affected with GLI3-related conditions. ClinVar contains an entry for this variant (Variation ID: 3752980). Invitae Evidence Modeling of protein sequence and biophysical properties (such as structural, functional, and spatial information, amino acid conservation, physicochemical variation, residue mobility, and thermodynamic stability) indicates that this missense variant is not expected to disrupt GLI3 protein function with a negative predictive value of 95%. In summary, the available evidence is currently insufficient to determine the role of this variant in disease. Therefore, it has been classified as a Variant of Uncertain Significance.

NM_000168.6(GLI3):c.4066A>T (p.Ile1356Phe)

Gene: GLI3 (GLI family zinc finger 3; minus strand). Cytogenetic location: 7p14.1.
Variant type: single nucleotide variant.
Coding change: c.4066A>T on transcript NM_000168.6 (MANE Select); coding-DNA position 4066, A replaced by T.
Protein change: p.Ile1356Phe; replaces isoleucine 1356 with phenylalanine.
Molecular consequence: missense variant.
Genome position (GRCh38, 1-based): chr7:41,965,007, T>A on the plus strand (A>T on the coding strand, the complement: GLI3 is on the minus strand). VCF-style: chr7-41965007-T-A. GRCh37 (hg19) VCF-style: chr7-42004605-T-A.
Other names: short protein forms I1356F.
Identifiers: ClinVar variation 3752980 (VCV003752980.2).
Genomic context (GRCh38, chr7:41,965,007, plus strand): 5'-TTGACGGCTGGCTGCCCATGCCGTGAGCCCCTGGCAGGCAGCTCTCTGGCCCTTGGTAGA[T>A]GTTGATGTGTGAGGTAGCACTAATCTGCCCAAGCATCTGCTGACCGGGGCGGCCTGCCCC-3'
Protein context (NP_000159.3, residues 1346-1366): GQISATSHIN[Ile1356Phe]YQGPESCLPG